The following is an entry in ClinVar:

ClinVar aggregate classification (germline): Uncertain significance (1 of 4 stars; one submission).

Conditions:
Neurofibromatosis, type 1 (NF1). Also called: VON RECKLINGHAUSEN DISEASE; Peripheral type neurofibromatosis; NEUROFIBROMATOSIS, TYPE I, SOMATIC; Neurofibromatosis, type I. Identifiers: Orphanet 636, MedGen C0027831, MONDO:0018975, OMIM 162200. Disease mechanism: loss of function.

Submission:

Labcorp Genetics (formerly Invitae), Labcorp
Classification: Uncertain significance for Neurofibromatosis, type 1. Last evaluated: 2024-05-15. Review status: criteria provided, single submitter. Criteria: Invitae Variant Classification Sherloc (09022015). Collection method: clinical testing. Allele origin: germline.
Comment: This sequence change replaces isoleucine, which is neutral and non-polar, with threonine, which is neutral and polar, at codon 603 of the NF1 protein (p.Ile603Thr). This variant is not present in population databases (gnomAD no frequency). This variant has not been reported in the literature in individuals affected with NF1-related conditions. Advanced modeling of protein sequence and biophysical properties (such as structural, functional, and spatial information, amino acid conservation, physicochemical variation, residue mobility, and thermodynamic stability) performed at Invitae indicates that this missense variant is expected to disrupt NF1 protein function with a positive predictive value of 95%. This variant disrupts the p.Ile603 amino acid residue in NF1. Other variant(s) that disrupt this residue have been determined to be pathogenic (Invitae). This suggests that this residue is clinically significant, and that variants that disrupt this residue are likely to be disease-causing. In summary, the available evidence is currently insufficient to determine the role of this variant in disease. Therefore, it has been classified as a Variant of Uncertain Significance.

NM_001042492.3(NF1):c.1808T>C (p.Ile603Thr)

Gene: NF1 (neurofibromin 1; plus strand). Cytogenetic location: 17q11.2.
Variant type: single nucleotide variant.
Coding change: c.1808T>C on transcript NM_001042492.3 (MANE Select); coding-DNA position 1808, T replaced by C.
Protein change: p.Ile603Thr; replaces isoleucine 603 with threonine.
Molecular consequence: missense variant.
Genome position (GRCh38, 1-based): chr17:31,223,530, T>C. VCF-style: chr17-31223530-T-C. GRCh37 (hg19) VCF-style: chr17-29550548-T-C.
Other names: c.1808T>C, p.Ile603Thr (NM_000267.4); short protein forms I603T.
Identifiers: ClinVar variation 3634503 (VCV003634503.2).